The following is an entry in ClinVar:

NM_003791.4(MBTPS1):c.1130C>G (p.Thr377Ser)

Gene: MBTPS1 (membrane bound transcription factor peptidase, site 1; minus strand). Cytogenetic location: 16q23.3.
Variant type: single nucleotide variant.
Coding change: c.1130C>G on transcript NM_003791.4 (MANE Select); coding-DNA position 1130, C replaced by G.
Protein change: p.Thr377Ser; replaces threonine 377 with serine.
Molecular consequence: missense variant.
Genome position (GRCh38, 1-based): chr16:84,087,362, G>C on the plus strand (C>G on the coding strand, the complement: MBTPS1 is on the minus strand). VCF-style: chr16-84087362-G-C. GRCh37 (hg19) VCF-style: chr16-84120967-G-C.
Other names: c.1130C>G (NM_003791.2); short protein forms T377S.
Identifiers: ClinVar variation 1520462 (VCV001520462.5), dbSNP rs143888040, ClinGen allele CA8201457.

ClinVar aggregate classification (germline): Uncertain significance. Review status: criteria provided, multiple submitters, no conflicts (2 of 4 stars). 2 submissions from 2 submitters: Uncertain significance (2). Last evaluated 2025-01-10.

Conditions:
Inborn genetic diseases. Identifiers: MedGen C0950123, MeSH D030342.

Allele frequency attached by ClinVar (database versions not stated): ESP Exome Variant Server 0.00008; ExAC 0.00007; gnomAD exomes 0.00008; gnomAD 0.00011; TOPMed 0.00011.
gnomAD v4.1: 159 of 1,609,778 alleles (0.0099%); highest among the groups gnomAD compares: Non-Finnish European, 0.012%; no homozygotes.

Submissions (2):

Ambry Genetics
Classification: Uncertain significance for Inborn genetic diseases. Last evaluated: 2025-01-10. Review status: criteria provided, single submitter. Criteria: Ambry Variant Classification Scheme 2023. Collection method: clinical testing. Allele origin: germline.

Labcorp Genetics (formerly Invitae), Labcorp
Classification: Uncertain significance. Last evaluated: 2022-06-14. Review status: criteria provided, single submitter. Criteria: Invitae Variant Classification Sherloc (09022015). Collection method: clinical testing. Allele origin: germline.
Comment: This sequence change replaces threonine, which is neutral and polar, with serine, which is neutral and polar, at codon 377 of the MBTPS1 protein (p.Thr377Ser). This variant is present in population databases (rs143888040, gnomAD 0.02%). This variant has not been reported in the literature in individuals affected with MBTPS1-related conditions. Algorithms developed to predict the effect of missense changes on protein structure and function are either unavailable or do not agree on the potential impact of this missense change (SIFT: "Deleterious"; PolyPhen-2: "Probably Damaging"; Align-GVGD: "Class C0"). In summary, the available evidence is currently insufficient to determine the role of this variant in disease. Therefore, it has been classified as a Variant of Uncertain Significance.